The following is an entry in ClinVar:

NM_020461.4(TUBGCP6):c.3541_3621del (p.Ala1181_Pro1207del)

Gene: TUBGCP6 (tubulin gamma complex component 6; minus strand). Cytogenetic location: 22q13.33.
Variant type: Deletion.
Coding change: c.3541_3621del on transcript NM_020461.4 (MANE Select); coding-DNA positions 3541 to 3621, 81 bases deleted.
Protein change: p.Ala1181_Pro1207del.
Molecular consequence: inframe deletion.
Genome position (GRCh38, 1-based): chr22:50,220,738-50,220,818, 81 bases deleted. GRCh37 (hg19): chr22:50,659,212-50,659,292.
Identifiers: ClinVar variation 1016942 (VCV001016942.8), dbSNP rs2064505303, ClinGen allele CA515376145.

ClinVar aggregate classification (germline): Uncertain significance (1 of 4 stars; one submission).

Submission:

Labcorp Genetics (formerly Invitae), Labcorp
Classification: Uncertain significance. Last evaluated: 2024-11-04. Review status: criteria provided, single submitter. Criteria: Invitae Variant Classification Sherloc (09022015). Collection method: clinical testing. Allele origin: germline.
Comment: This variant, c.3541_3621del, results in the deletion of 27 amino acid(s) of the TUBGCP6 protein (p.Ala1181_Pro1207del), but otherwise preserves the integrity of the reading frame. The frequency data for this variant in the population databases is considered unreliable, as metrics indicate poor data quality at this position in the gnomAD database. This variant has not been reported in the literature in individuals affected with TUBGCP6-related conditions. ClinVar contains an entry for this variant (Variation ID: 1016942). Experimental studies and prediction algorithms are not available or were not evaluated, and the functional significance of this variant is currently unknown. In summary, the available evidence is currently insufficient to determine the role of this variant in disease. Therefore, it has been classified as a Variant of Uncertain Significance.